The following is an entry in ClinVar:

NM_004525.3(LRP2):c.7505T>C (p.Val2502Ala)

Gene: LRP2 (LDL receptor related protein 2; minus strand). Cytogenetic location: 2q31.1.
Variant type: single nucleotide variant.
Coding change: c.7505T>C on transcript NM_004525.3 (MANE Select); coding-DNA position 7505, T replaced by C.
Protein change: p.Val2502Ala; replaces valine 2502 with alanine.
Molecular consequence: missense variant.
Genome position (GRCh38, 1-based): chr2:169,206,074, A>G on the plus strand (T>C on the coding strand, the complement: LRP2 is on the minus strand). VCF-style: chr2-169206074-A-G. GRCh37 (hg19) VCF-style: chr2-170062584-A-G.
Other names: short protein forms V2502A.
Identifiers: ClinVar variation 2192245 (VCV002192245.1), dbSNP rs1169832706, ClinGen allele CA349170021.

ClinVar aggregate classification (germline): Uncertain significance (1 of 4 stars; one submission).

Allele frequency attached by ClinVar (database versions not stated): gnomAD exomes 0.00001.
gnomAD v4.1: 3 of 1,614,214 alleles (0.00019%); highest among the groups gnomAD compares: Admixed American, 0.005%; no homozygotes.

Submission:

Labcorp Genetics (formerly Invitae), Labcorp
Classification: Uncertain significance. Last evaluated: 2022-05-07. Review status: criteria provided, single submitter. Criteria: Invitae Variant Classification Sherloc (09022015). Collection method: clinical testing. Allele origin: germline.
Comment: This sequence change replaces valine, which is neutral and non-polar, with alanine, which is neutral and non-polar, at codon 2502 of the LRP2 protein (p.Val2502Ala). This variant is present in population databases (no rsID available, gnomAD 0.006%). This variant has not been reported in the literature in individuals affected with LRP2-related conditions. Algorithms developed to predict the effect of missense changes on protein structure and function are either unavailable or do not agree on the potential impact of this missense change (SIFT: "Deleterious"; PolyPhen-2: "Benign"; Align-GVGD: "Class C25"). In summary, the available evidence is currently insufficient to determine the role of this variant in disease. Therefore, it has been classified as a Variant of Uncertain Significance.